The following is an entry in ClinVar:

NM_001163435.3(TBCK):c.2217T>G (p.Asp739Glu)

Gene: TBCK (TBC1 domain containing kinase; minus strand). Cytogenetic location: 4q24.
Variant type: single nucleotide variant.
Coding change: c.2217T>G on transcript NM_001163435.3 (MANE Select); coding-DNA position 2217, T replaced by G.
Protein change: p.Asp739Glu; replaces aspartic acid 739 with glutamic acid.
Molecular consequence: missense variant.
Genome position (GRCh38, 1-based): chr4:106,171,113, A>C on the plus strand (T>G on the coding strand, the complement: TBCK is on the minus strand). VCF-style: chr4-106171113-A-C. GRCh37 (hg19) VCF-style: chr4-107092270-A-C.
Other names: c.2217T>G, p.Asp739Glu (NM_001163436.4); c.2100T>G, p.Asp700Glu (NM_001163437.3); c.1701T>G, p.Asp567Glu (NM_001290768.2); c.2028T>G, p.Asp676Glu (NM_033115.5); short protein forms D700E, D739E, D567E, D676E.
Identifiers: ClinVar variation 1474022 (VCV001474022.5), dbSNP rs772271115, ClinGen allele CA3034771.

ClinVar aggregate classification (germline): Uncertain significance (1 of 4 stars; one submission).

Allele frequency attached by ClinVar (database versions not stated): gnomAD 0.00002.
gnomAD v4.1: 30 of 1,609,452 alleles (0.0019%); highest among the groups gnomAD compares: Non-Finnish European, 0.0025%; no homozygotes.

Submission:

Labcorp Genetics (formerly Invitae), Labcorp
Classification: Uncertain significance. Last evaluated: 2021-09-01. Review status: criteria provided, single submitter. Criteria: Invitae Variant Classification Sherloc (09022015). Collection method: clinical testing. Allele origin: germline.
Comment: This sequence change replaces aspartic acid with glutamic acid at codon 739 of the TBCK protein (p.Asp739Glu). The aspartic acid residue is moderately conserved and there is a small physicochemical difference between aspartic acid and glutamic acid. This variant is present in population databases (rs772271115, ExAC 0.002%). This variant has not been reported in the literature in individuals affected with TBCK-related conditions. Algorithms developed to predict the effect of missense changes on protein structure and function output the following: SIFT: "Tolerated"; PolyPhen-2: "Benign"; Align-GVGD: "Class C0". The glutamic acid amino acid residue is found in multiple mammalian species, which suggests that this missense change does not adversely affect protein function. In summary, the available evidence is currently insufficient to determine the role of this variant in disease. Therefore, it has been classified as a Variant of Uncertain Significance.